The following is an entry in ClinVar:

NM_015506.3(MMACHC):c.481C>A (p.Arg161=)

Gene: MMACHC (metabolism of cobalamin associated C; plus strand). Cytogenetic location: 1p34.1.
Variant type: single nucleotide variant.
Coding change: c.481C>A on transcript NM_015506.3 (MANE Select); coding-DNA position 481, C replaced by A.
Protein change: p.Arg161=; no amino-acid change (arginine 161 retained).
Molecular consequence: synonymous variant.
Genome position (GRCh38, 1-based): chr1:45,508,847, C>A. VCF-style: chr1-45508847-C-A. GRCh37 (hg19) VCF-style: chr1-45974519-C-A.
Other names: p.Arg161=; c.310C>A, p.Arg104= (NM_001330540.2).
Identifiers: ClinVar variation 702994 (VCV000702994.21), dbSNP rs370596113, ClinGen allele CA827774.

ClinVar aggregate classification (germline): Likely benign. Review status: criteria provided, multiple submitters, no conflicts (2 of 4 stars). 4 submissions from 4 submitters: Likely benign (3). 1 of the submissions does not count toward it. Last evaluated 2026-01-05.

Conditions:
Cobalamin C disease. Also called: Methylmalonic aciduria with homocystinuria cblC type; Cobalamin-C methylmalonic acidemia and homocystinuria; Methylmalonic acidemia and homocystinuria cblC type; methylmalonic aciduria and homocystinuria type cblC; Methylmalonic aciduria and homocystinuria, Vitamin B12-responsive; Vitamin B12 metabolic defect with combined deficiency of methylmalonyl-CoA mutase and homocysteine:methyltetrahydrofolate methyltransferase. Identifiers: Orphanet 26, Orphanet 79282, MedGen C1848561, MONDO:0010184, OMIM 277400.

Allele frequency attached by ClinVar (database versions not stated): TOPMed 0.00002.
gnomAD v4.1: 18 of 1,614,020 alleles (0.0011%); highest among the groups gnomAD compares: Admixed American, 0.03%; no homozygotes.

Submissions (4):

Labcorp Genetics (formerly Invitae), Labcorp
Classification: Likely benign for Cobalamin C disease. Last evaluated: 2026-01-05. Review status: criteria provided, single submitter. Criteria: Invitae Variant Classification Sherloc (09022015). Collection method: clinical testing. Allele origin: germline.

CeGaT Center for Human Genetics Tuebingen
Classification: Likely benign. Last evaluated: 2026-01-01. Review status: criteria provided, single submitter. Criteria: CeGaT Center For Human Genetics Tuebingen Variant Classification Criteria Version 2. Collection method: clinical testing. Allele origin: germline. Affected: yes. Observed: 1 variant allele.
Comment: MMACHC: BP4, BP7

Mayo Clinic Laboratories, Mayo Clinic
Classification: Likely benign. Last evaluated: 2025-10-12. Review status: criteria provided, single submitter. Criteria: ACMG Guidelines, 2015. Collection method: clinical testing. Allele origin: germline. Observed: 1 variant allele.
Comment: BP4, BP7

Natera, Inc.
Classification: Likely benign for Methylmalonic aciduria and homocystinuria cblC type. Last evaluated: 2020-12-17. Review status: no assertion criteria provided. Collection method: clinical testing. Allele origin: germline. Not counted in ClinVar's aggregate classification.